The following is an entry in ClinVar:

NM_001386298.1(CIC):c.4984G>A (p.Val1662Met)

Gene: CIC (capicua transcriptional repressor; plus strand). Cytogenetic location: 19q13.2.
Variant type: single nucleotide variant.
Coding change: c.4984G>A on transcript NM_001386298.1 (MANE Select); coding-DNA position 4984, G replaced by A.
Protein change: p.Val1662Met; replaces valine 1662 with methionine.
Molecular consequence: missense variant.
Genome position (GRCh38, 1-based): chr19:42,291,025, G>A. VCF-style: chr19-42291025-G-A. GRCh37 (hg19) VCF-style: chr19-42795177-G-A.
Other names: c.4984G>A, p.Val1662Met (NM_001439184.1, NM_001439185.1, NM_001439186.1 and 6 more transcripts); c.2257G>A, p.Val753Met (NM_001439189.1, NM_001439190.1, NM_001439191.1 and 3 more transcripts); short protein forms V1662M, V753M.
Identifiers: ClinVar variation 4883644 (VCV004883644.2).

ClinVar aggregate classification (germline): Uncertain significance (1 of 4 stars; one submission).

Conditions:
Intellectual developmental disorder, autosomal dominant 45. Also called: MENTAL RETARDATION, AUTOSOMAL DOMINANT 45; Intellectual disability, autosomal dominant 45. Identifiers: MedGen C4539848, MONDO:0030910, OMIM 617600.

gnomAD v4.1: 6 of 1,613,692 alleles (0.00037%); highest among the groups gnomAD compares: Non-Finnish European, 0.00042%; no homozygotes.

Submission:

Dasa
Classification: Uncertain significance for Intellectual developmental disorder, autosomal dominant 45. Last evaluated: 2026-01-02. Review status: criteria provided, single submitter. Criteria: DASA Assertion Criteria. Collection method: clinical testing. Allele origin: germline.
Comment: NM_001386298.1(CIC):c.4984G>A (p.Val1662Met) is a missense variant that results in the substitution of valine with methionine. This variant is rare in population databases. The currently available literature and clinical evidence are not sufficient to establish a definitive association between this variant and the reported condition. Therefore, this variant is classified as a variant of uncertain significance.